The following is an entry in ClinVar:

NM_138576.4(BCL11B):c.2224_2227dup (p.His743fs)

Gene: BCL11B (BCL11 transcription factor B; minus strand). Cytogenetic location: 14q32.2.
Variant type: Duplication.
Coding change: c.2224_2227dup on transcript NM_138576.4 (MANE Select); coding-DNA positions 2224 to 2227, 4 bases duplicated (GAGC; older notation c.2224_2227dupGAGC).
Protein change: p.His743fs; shifts the reading frame from histidine 743.
Molecular consequence: frameshift variant.
Genome position (GRCh38, 1-based): chr14:99,174,609-99,174,612, GCTC duplicated on the plus strand (GAGC on the coding strand, the reverse complement: BCL11B is on the minus strand); duplicating any 4 consecutive bases within chr14:99,174,609-99,174,613 gives the same sequence; the c. name uses the placement nearest the transcript's 3' end. VCF-style (leftmost placement, unchanged base first): chr14-99174608-T-TGCTC. GRCh37 (hg19) VCF-style: chr14-99640945-T-TGCTC.
Other names: c.2221_2224dup, p.His742fs (NM_001282237.2); c.2008_2011dup, p.His671fs (NM_001282238.2); c.2011_2014dup, p.His672fs (NM_022898.3); short protein forms H671fs, H672fs, H742fs, H743fs.
Identifiers: ClinVar variation 3897620 (VCV003897620.1).
Genomic context (GRCh38, chr14:99,174,608, plus strand): 5'-CCGCCGTCCAGCAGGTCCCCGGGCGGCGTGGAGAAGCGCAGGCTGCCGTTCTCGGACGAG[T>TGCTC]GCTCGGACGACGTGGCGAAGGGCGACTGTCGTGCGTCCGTGAAGCCCAGGAAGGGGTCCT-3'

ClinVar aggregate classification (germline): Pathogenic (1 of 4 stars; one submission).

Conditions:
Intellectual developmental disorder with speech delay, dysmorphic facies, and t-cell abnormalities. Also called: BCL11B-related BAFopathy. Identifiers: Orphanet 662829, MedGen C4748152, MONDO:0060763, OMIM 618092.

Submission:

Genetics Laboratory, UDIAT-Centre Diagnòstic, Hospital Universitari Parc Tauli
Classification: Pathogenic for intellectual developmental disorder with speech delay, dysmorphic facies, and t-cell abnormalities. Last evaluated: 2023-09-12. Review status: criteria provided, single submitter. Criteria: ACMG Guidelines, 2015. Collection method: clinical testing. Allele origin: unknown. Inheritance: Autosomal dominant inheritance. Affected: yes.
Comment: PVS1_very strong;PM2_supporting;PM6_moderate